The following is an entry in ClinVar:

NM_017780.4(CHD7):c.5270C>T (p.Ala1757Val)

Gene: CHD7 (chromodomain helicase DNA binding protein 7; plus strand). Cytogenetic location: 8q12.2.
Variant type: single nucleotide variant.
Coding change: c.5270C>T on transcript NM_017780.4 (MANE Select); coding-DNA position 5270, C replaced by T.
Protein change: p.Ala1757Val; replaces alanine 1757 with valine.
Molecular consequence: missense variant. On other transcripts: intron variant (1).
Genome position (GRCh38, 1-based): chr8:60,848,574, C>T. VCF-style: chr8-60848574-C-T. GRCh37 (hg19) VCF-style: chr8-61761133-C-T.
Other names: c.1717-13655C>T (NM_001316690.1); short protein forms A1757V.
Identifiers: ClinVar variation 580007 (VCV000580007.11), dbSNP rs368747227, ClinGen allele CA4760313.

ClinVar aggregate classification (germline): Conflicting classifications of pathogenicity. Review status: criteria provided, conflicting classifications (1 of 4 stars). 3 submissions from 3 submitters: Uncertain significance (2); Benign (1). Last evaluated 2026-02-27.

Conditions:
CHD7-related disorder. Also called: CHD7-related condition.
Hypogonadotropic hypogonadism 5 with or without anosmia (KAL5). Also called: HYPOGONADOTROPIC HYPOGONADISM 5 WITH ANOSMIA; HYPOGONADOTROPHIC HYPOGONADISM 5 WITHOUT ANOSMIA; CHD7-Related GnRH Deficiency (Kallmann Syndrome 5). Identifiers: Orphanet 478, MedGen C3552553, MONDO:0012880, OMIM 612370. Disease mechanism: loss of function.
CHARGE syndrome (CHARGE). Also called: Hittner Hirsch Kreh syndrome; Coloboma, heart anomaly, choanal atresia, retardation, genital and ear anomalies; CHARGE association; Hall-Hittner syndrome; CHARGE ASSOCIATION--COLOBOMA, HEART ANOMALY, CHOANAL ATRESIA, RETARDATION, GENITAL AND EAR ANOMALIES. Identifiers: Orphanet 138, MedGen C0265354, MONDO:0008965.

Allele frequency attached by ClinVar (database versions not stated): TOPMed 0.00003; gnomAD 0.00006 and 0.00007; ExAC 0.00007; ESP Exome Variant Server 0.00016.
gnomAD v4.1: 81 of 1,613,380 alleles (0.005%); highest among the groups gnomAD compares: South Asian, 0.025%; no homozygotes.

Submissions (3):

PreventionGenetics, part of Exact Sciences
Classification: Uncertain significance for CHD7-related condition. Last evaluated: 2026-02-27. Review status: criteria provided, single submitter. Criteria: ACMG Guidelines, 2015. Collection method: clinical testing. Allele origin: germline.
Comment: The CHD7 c.5270C>T variant is predicted to result in the amino acid substitution p.Ala1757Val. To our knowledge, this variant has not been reported in the literature. This variant is reported in 0.023% of alleles in individuals of South Asian descent in gnomAD, which may be too common to be causative of disease. Although we suspect that this variant may be benign, at this time, the clinical significance of this variant is uncertain due to the absence of conclusive functional and genetic evidence.

Labcorp Genetics (formerly Invitae), Labcorp
Classification: Benign for CHARGE syndrome. Last evaluated: 2025-07-28. Review status: criteria provided, single submitter. Criteria: Invitae Variant Classification Sherloc (09022015). Collection method: clinical testing. Allele origin: germline.

Fulgent Genetics
Classification: Uncertain significance for CHD7-related CHARGE syndrome; Hypogonadotropic hypogonadism 5 with or without anosmia. Last evaluated: 2022-02-15. Review status: criteria provided, single submitter. Criteria: ACMG Guidelines, 2015. Collection method: clinical testing. Allele origin: unknown.